The following is an entry in ClinVar:

NM_001365536.1(SCN9A):c.4121T>C (p.Met1374Thr)

Genes: SCN9A (sodium voltage-gated channel alpha subunit 9; minus strand), SCN1A-AS1 (SCN1A and SCN9A antisense RNA 1; plus strand). Cytogenetic location: 2q24.3.
Variant type: single nucleotide variant.
Coding change: c.4121T>C on transcript NM_001365536.1 (MANE Select); coding-DNA position 4121, T replaced by C.
Protein change: p.Met1374Thr; replaces methionine 1374 with threonine.
Molecular consequence: missense variant.
Genome position (GRCh38, 1-based): chr2:166,228,776, A>G on the plus strand (T>C on the coding strand, the complement: SCN9A is on the minus strand). VCF-style: chr2-166228776-A-G. GRCh37 (hg19) VCF-style: chr2-167085286-A-G.
Other names: c.4088T>C, p.Met1363Thr (NM_002977.4); short protein forms M1363T, M1374T.
Identifiers: ClinVar variation 1988433 (VCV001988433.4), dbSNP rs2468976469, ClinGen allele CA349063504.
Genomic context (GRCh38, chr2:166,228,776, plus strand): 5'-AGTCCGACATTATCAAAGTTCACTTTCAGGTTTTTCCATCGCACATTTTGACTAACATTC[A>G]TAAGGGCAAAACATTCGGAACGATTTGGAACTTGACTTGCAGGAAACCGTGACCCATCTG-3'
Protein context (NP_001352465.1, residues 1364-1384): VPNRSECFAL[Met1374Thr]NVSQNVRWKN

ClinVar aggregate classification (germline): Uncertain significance (1 of 4 stars; one submission).

Conditions:
Neuropathy, hereditary sensory and autonomic, type 2A (HSAN2A). Also called: HSAN IIA; WNK1-Related HSAN2 (HSAN2A); ACROOSTEOLYSIS, GIACCAI TYPE; ACROOSTEOLYSIS, NEUROGENIC; MORVAN DISEASE; NEUROPATHY, CONGENITAL SENSORY. Identifiers: MedGen C2752089, MONDO:0024309, OMIM 201300, Orphanet 970.
Generalized epilepsy with febrile seizures plus, type 7 (GEFSP7). Also called: GEFS+, TYPE 7. Identifiers: Orphanet 36387, MedGen C2751778, MONDO:0013470, OMIM 613863.

Allele frequency attached by ClinVar (database versions not stated): gnomAD exomes below 0.00001.

Submission:

Labcorp Genetics (formerly Invitae), Labcorp
Classification: Uncertain significance for Neuropathy, hereditary sensory and autonomic, type 2A; Generalized epilepsy with febrile seizures plus, type 7. Last evaluated: 2022-09-29. Review status: criteria provided, single submitter. Criteria: Invitae Variant Classification Sherloc (09022015). Collection method: clinical testing. Allele origin: germline.
Comment: In summary, the available evidence is currently insufficient to determine the role of this variant in disease. Therefore, it has been classified as a Variant of Uncertain Significance. Algorithms developed to predict the effect of missense changes on protein structure and function (SIFT, PolyPhen-2, Align-GVGD) all suggest that this variant is likely to be tolerated. This variant has not been reported in the literature in individuals affected with SCN9A-related conditions. This variant is not present in population databases (gnomAD no frequency). This sequence change replaces methionine, which is neutral and non-polar, with threonine, which is neutral and polar, at codon 1363 of the SCN9A protein (p.Met1363Thr).